The following is an entry in ClinVar:

NM_000093.5(COL5A1):c.1720-157C>T

Gene: COL5A1 (collagen type V alpha 1 chain; plus strand). Cytogenetic location: 9q34.3.
Variant type: single nucleotide variant.
Coding change: c.1720-157C>T on transcript NM_000093.5 (MANE Select); 157 bases into the intron before coding-DNA position 1720, C replaced by T.
Molecular consequence: intron variant.
Genome position (GRCh38, 1-based): chr9:134,753,693, C>T. VCF-style: chr9-134753693-C-T. GRCh37 (hg19) VCF-style: chr9-137645539-C-T.
Other names: c.1720-157C>T (NM_001278074.1).
Identifiers: ClinVar variation 673786 (VCV000673786.2), dbSNP rs73664130, ClinGen allele CA13091426.

ClinVar aggregate classification (germline): Benign. Review status: criteria provided, multiple submitters, no conflicts (2 of 4 stars). 2 submissions from 2 submitters: Benign (2). Last evaluated 2018-06-18.

Allele frequency attached by ClinVar (database versions not stated): 1000 Genomes Project 30x 0.20097; 1000 Genomes Project 0.20547; TOPMed 0.20779; gnomAD 0.21507.
gnomAD v4.1: 31,773 of 151,944 alleles (21%); highest among the groups gnomAD compares: East Asian, 34%; 3,516 homozygotes.

Submissions (2):

GeneDx
Classification: Benign. Last evaluated: 2018-06-18. Review status: criteria provided, single submitter. Criteria: GeneDx Variant Classification (06012015). Collection method: clinical testing. Allele origin: germline. Affected: yes.
Comment: This variant is considered likely benign or benign based on one or more of the following criteria: it is a conservative change, it occurs at a poorly conserved position in the protein, it is predicted to be benign by multiple in silico algorithms, and/or has population frequency not consistent with disease.

Breakthrough Genomics
Classification: Benign. Review status: criteria provided, single submitter. Criteria: ACMG Guidelines, 2015. Collection method: not provided. Allele origin: germline. Inheritance: Autosomal dominant inheritance. Affected: yes.